The following is an entry in ClinVar:

ClinVar aggregate classification (germline): Likely pathogenic (1 of 4 stars; one submission).

Conditions:
Alport syndrome. Also called: Hemorrhagic familial nephritis; Hemorrhagic hereditary nephritis; Congenital hereditary hematuria. Identifiers: Orphanet 63, MedGen C1567741, MONDO:0018965.

Submission:

Natera, Inc.
Classification: Likely pathogenic for Alport syndrome. Last evaluated: 2025-08-21. Review status: criteria provided, single submitter. Criteria: Natera Variant Classification Schema (03/2026). Collection method: clinical testing. Allele origin: germline.
Comment: The c.2702G>A variant in COL4A3 is a missense variant predicted to cause substitution of glycine to aspartic acid at amino acid 901. This variant is rare in the general population with a frequency below the threshold expected for the associated phenotype(s). This variant is located in a functionally critical region of the protein. Computational prediction algorithms indicate this variant is likely to affect gene or protein function. Given the available evidence, this variant is classified as Likely Pathogenic.

NM_000091.5(COL4A3):c.2702G>A (p.Gly901Asp)

Genes: COL4A3 (collagen type IV alpha 3 chain; plus strand), MFF-DT (MFF divergent transcript; minus strand). Cytogenetic location: 2q36.3.
Variant type: single nucleotide variant.
Coding change: c.2702G>A on transcript NM_000091.5 (MANE Select); coding-DNA position 2702, G replaced by A.
Protein change: p.Gly901Asp; replaces glycine 901 with aspartic acid.
Molecular consequence: missense variant.
Genome position (GRCh38, 1-based): chr2:227,283,812, G>A. VCF-style: chr2-227283812-G-A. GRCh37 (hg19) VCF-style: chr2-228148528-G-A.
Other names: short protein forms G901D.
Identifiers: ClinVar variation 4817230 (VCV004817230.1).
Genomic context (GRCh38, chr2:227,283,812, plus strand): 5'-AATTTGTTTCCATAGGTGAAGATGGAGTGATTGGGATGATGGGCTTTCCTGGAGCCATTG[G>A]CCCTCCAGGGCCCCCTGGGAACCCAGGCACACCAGGGCAGAGGGGTAAGTGATAGAGTGT-3'
Protein context (NP_000082.2, residues 891-911): IGMMGFPGAI[Gly901Asp]PPGPPGNPGT